The following is an entry in ClinVar:

ClinVar aggregate classification (germline): Likely benign. Review status: criteria provided, multiple submitters, no conflicts (2 of 4 stars). 2 submissions from 2 submitters: Likely benign (2). Last evaluated 2024-05-17.

Conditions:
Familial cancer of breast. Also called: hereditary breast carcinoma; BREAST CANCER, FAMILIAL; Hereditary breast cancer. Identifiers: Orphanet 227535, MedGen C0346153, MONDO:0016419, OMIM 114480. Disease mechanism: loss of function.
Ataxia-telangiectasia syndrome (AT). Also called: Cerebello-oculocutaneous telangiectasia; Immunodeficiency with ataxia telangiectasia; LOUIS-BAR SYNDROME; Ataxia-telangiectasia, complementation group D; AT, COMPLEMENTATION GROUP C; Ataxia-telangiectasia, complementation group E. Identifiers: Orphanet 100, MedGen C0004135, MONDO:0008840, OMIM 208900.

Allele frequency attached by ClinVar (database versions not stated): gnomAD exomes below 0.00001.

Submissions (2):

Myriad Genetics, Inc.
Classification: Likely benign for Familial cancer of breast. Last evaluated: 2024-05-17. Review status: criteria provided, single submitter. Criteria: Myriad Autosomal Dominant, Autosomal Recessive and X-Linked Classification Criteria (2023). Collection method: clinical testing. Allele origin: unknown.
Comment: This variant is considered likely benign. This variant is intronic and is not expected to impact mRNA splicing.

Labcorp Genetics (formerly Invitae), Labcorp
Classification: Likely benign for Ataxia-telangiectasia syndrome. Last evaluated: 2021-08-16. Review status: criteria provided, single submitter. Criteria: Invitae Variant Classification Sherloc (09022015). Collection method: clinical testing. Allele origin: germline.

NM_000051.4(ATM):c.4237-10T>C

Gene: ATM (ATM serine/threonine kinase; plus strand). Cytogenetic location: 11q22.3.
Variant type: single nucleotide variant.
Coding change: c.4237-10T>C on transcript NM_000051.4 (MANE Select); 10 bases into the intron before coding-DNA position 4237, T replaced by C.
Molecular consequence: intron variant.
Genome position (GRCh38, 1-based): chr11:108,289,592, T>C. VCF-style: chr11-108289592-T-C. GRCh37 (hg19) VCF-style: chr11-108160319-T-C.
Other names: c.4237-10T>C (NM_001351834.2).
Identifiers: ClinVar variation 1673717 (VCV001673717.9), dbSNP rs1312684854, ClinGen allele CA602132729.